The following is an entry in ClinVar:

NM_020921.4(NIN):c.6232T>G (p.Leu2078Val)

Gene: NIN (ninein; minus strand). Cytogenetic location: 14q22.1.
Variant type: single nucleotide variant.
Coding change: c.6232T>G on transcript NM_020921.4 (MANE Select); coding-DNA position 6232, T replaced by G.
Protein change: p.Leu2078Val; replaces leucine 2078 with valine.
Molecular consequence: missense variant.
Genome position (GRCh38, 1-based): chr14:50,723,633, A>C on the plus strand (T>G on the coding strand, the complement: NIN is on the minus strand). VCF-style: chr14-50723633-A-C. GRCh37 (hg19) VCF-style: chr14-51190351-A-C.
Other names: short protein forms L2078V.
Identifiers: ClinVar variation 3652941 (VCV003652941.2).

ClinVar aggregate classification (germline): Uncertain significance (1 of 4 stars; one submission).

Submission:

Labcorp Genetics (formerly Invitae), Labcorp
Classification: Uncertain significance. Last evaluated: 2024-05-17. Review status: criteria provided, single submitter. Criteria: Invitae Variant Classification Sherloc (09022015). Collection method: clinical testing. Allele origin: germline.
Comment: This sequence change replaces leucine, which is neutral and non-polar, with valine, which is neutral and non-polar, at codon 2078 of the NIN protein (p.Leu2078Val). This variant is not present in population databases (gnomAD no frequency). This variant has not been reported in the literature in individuals affected with NIN-related conditions. An algorithm developed to predict the effect of missense changes on protein structure and function (PolyPhen-2) suggests that this variant is likely to be disruptive. In summary, the available evidence is currently insufficient to determine the role of this variant in disease. Therefore, it has been classified as a Variant of Uncertain Significance.